The following is an entry in ClinVar:

ClinVar aggregate classification (germline): Uncertain significance (1 of 4 stars; one submission).

Conditions:
Sulfite oxidase deficiency due to molybdenum cofactor deficiency type A. Also called: Molybdenum cofactor deficiency, complementation group A; Molybdenum Cofactor Deficiency A. Identifiers: Orphanet 308386, Orphanet 833, MedGen C1854988, MONDO:0009643, OMIM 252150.

Allele frequency attached by ClinVar (database versions not stated): gnomAD 0.00001; TOPMed 0.00002.
gnomAD v4.1: 76 of 1,596,488 alleles (0.0048%); highest among the groups gnomAD compares: South Asian, 0.017%; no homozygotes.

Submission:

Labcorp Genetics (formerly Invitae), Labcorp
Classification: Uncertain significance for Sulfite oxidase deficiency due to molybdenum cofactor deficiency type A. Last evaluated: 2022-04-15. Review status: criteria provided, single submitter. Criteria: Invitae Variant Classification Sherloc (09022015). Collection method: clinical testing. Allele origin: germline.
Comment: This sequence change replaces arginine, which is basic and polar, with tryptophan, which is neutral and slightly polar, at codon 630 of the MOCS1 protein (p.Arg630Trp). This variant is present in population databases (rs745903344, gnomAD 0.02%). This variant has not been reported in the literature in individuals affected with MOCS1-related conditions. Algorithms developed to predict the effect of missense changes on protein structure and function are either unavailable or do not agree on the potential impact of this missense change (SIFT: "Not Available"; PolyPhen-2: "Possibly Damaging"; Align-GVGD: "Not Available"). In summary, the available evidence is currently insufficient to determine the role of this variant in disease. Therefore, it has been classified as a Variant of Uncertain Significance.

NM_001358530.2(MOCS1):c.1888C>T (p.Arg630Trp)

Gene: MOCS1 (molybdenum cofactor synthesis 1; minus strand). Cytogenetic location: 6p21.2.
Variant type: single nucleotide variant.
Coding change: c.1888C>T on transcript NM_001358530.2 (MANE Select); coding-DNA position 1888, C replaced by T.
Protein change: p.Arg630Trp; replaces arginine 630 with tryptophan.
Molecular consequence: missense variant. On other transcripts: 3 prime UTR variant (4), non-coding transcript variant (1).
Genome position (GRCh38, 1-based): chr6:39,906,380, G>A on the plus strand (C>T on the coding strand, the complement: MOCS1 is on the minus strand). VCF-style: chr6-39906380-G-A. GRCh37 (hg19) VCF-style: chr6-39874156-G-A.
Other names: c.*745C>T (NM_001075098.4, NM_001358533.2, NM_001358534.2 and 1 more transcripts); c.1840C>T, p.Arg614Trp (NM_001358529.2); c.1627C>T, p.Arg543Trp (NM_001358531.2); short protein forms R543W, R630W, R614W.
Identifiers: ClinVar variation 1973962 (VCV001973962.2), dbSNP rs745903344, ClinGen allele CA3795867.